The following is an entry in ClinVar:

ClinVar aggregate classification (germline): Uncertain significance (1 of 4 stars; one submission).

Conditions:
Melanoma, cutaneous malignant, susceptibility to, 5. Also called: Cutaneous malignant melanoma 5. Identifiers: Orphanet 618, MedGen C2751295, MONDO:0013133, OMIM 613099.

Submission:

Labcorp Genetics (formerly Invitae), Labcorp
Classification: Uncertain significance for Melanoma, cutaneous malignant, susceptibility to, 5. Last evaluated: 2024-04-22. Review status: criteria provided, single submitter. Criteria: Invitae Variant Classification Sherloc (09022015). Collection method: clinical testing. Allele origin: germline.
Comment: This sequence change replaces lysine, which is basic and polar, with arginine, which is basic and polar, at codon 278 of the MC1R protein (p.Lys278Arg). This variant is not present in population databases (gnomAD no frequency). This variant has not been reported in the literature in individuals affected with MC1R-related conditions. ClinVar contains an entry for this variant (Variation ID: 2145211). Advanced modeling of protein sequence and biophysical properties (such as structural, functional, and spatial information, amino acid conservation, physicochemical variation, residue mobility, and thermodynamic stability) performed at Invitae indicates that this missense variant is not expected to disrupt MC1R protein function with a negative predictive value of 80%. In summary, the available evidence is currently insufficient to determine the role of this variant in disease. Therefore, it has been classified as a Variant of Uncertain Significance.

NM_002386.4(MC1R):c.833A>G (p.Lys278Arg)

Gene: MC1R (melanocortin 1 receptor; plus strand). Cytogenetic location: 16q24.3.
Variant type: single nucleotide variant.
Coding change: c.833A>G on transcript NM_002386.4 (MANE Select); coding-DNA position 833, A replaced by G.
Protein change: p.Lys278Arg; replaces lysine 278 with arginine.
Molecular consequence: missense variant.
Genome position (GRCh38, 1-based): chr16:89,920,091, A>G. VCF-style: chr16-89920091-A-G. GRCh37 (hg19) VCF-style: chr16-89986499-A-G.
Other names: short protein forms K278R.
Identifiers: ClinVar variation 2145211 (VCV002145211.4), dbSNP rs2544610519, ClinGen allele CA397463422.
Genomic context (GRCh38, chr16:89,920,091, plus strand): 5'-TCCTGCATCTCACACTCATCGTCCTCTGCCCCGAGCACCCCACGTGCGGCTGCATCTTCA[A>G]GAACTTCAACCTCTTTCTCGCCCTCATCATCTGCAATGCCATCATCGACCCCCTCATCTA-3'
Protein context (NP_002377.4, residues 268-288): PEHPTCGCIF[Lys278Arg]NFNLFLALII